The following is an entry in ClinVar:

NM_170601.5(SIAE):c.1446G>A (p.Trp482Ter)

Gene: SIAE (sialic acid acetylesterase; minus strand). Cytogenetic location: 11q24.2.
Variant type: single nucleotide variant.
Coding change: c.1446G>A on transcript NM_170601.5 (MANE Select); coding-DNA position 1446, G replaced by A.
Protein change: p.Trp482Ter; replaces tryptophan 482 with a stop codon.
Molecular consequence: nonsense.
Genome position (GRCh38, 1-based): chr11:124,637,077, C>T on the plus strand (G>A on the coding strand, the complement: SIAE is on the minus strand). VCF-style: chr11-124637077-C-T. GRCh37 (hg19) VCF-style: chr11-124506973-C-T.
Other names: c.1341G>A, p.Trp447Ter (NM_001199922.2); short protein forms W447*, W482*.
Identifiers: ClinVar variation 3683009 (VCV003683009.2).

ClinVar aggregate classification (germline): Uncertain significance (1 of 4 stars; one submission).

Submission:

Labcorp Genetics (formerly Invitae), Labcorp
Classification: Uncertain significance. Last evaluated: 2024-07-16. Review status: criteria provided, single submitter. Criteria: Invitae Variant Classification Sherloc (09022015). Collection method: clinical testing. Allele origin: germline.
Comment: This sequence change creates a premature translational stop signal (p.Trp482*) in the SIAE gene. While this is not anticipated to result in nonsense mediated decay, it is expected to disrupt the last 42 amino acid(s) of the SIAE protein. This variant is not present in population databases (gnomAD no frequency). This variant has not been reported in the literature in individuals affected with SIAE-related conditions. Experimental studies and prediction algorithms are not available or were not evaluated, and the functional significance of this variant is currently unknown. In summary, the available evidence is currently insufficient to determine the role of this variant in disease. Therefore, it has been classified as a Variant of Uncertain Significance.